The following is an entry in ClinVar:

NM_000275.3(OCA2):c.2233A>G (p.Thr745Ala)

Gene: OCA2 (OCA2 melanosomal transmembrane protein; minus strand). Cytogenetic location: 15q13.1.
Variant type: single nucleotide variant.
Coding change: c.2233A>G on transcript NM_000275.3 (MANE Select); coding-DNA position 2233, A replaced by G.
Protein change: p.Thr745Ala; replaces threonine 745 with alanine.
Molecular consequence: missense variant.
Genome position (GRCh38, 1-based): chr15:27,871,165, T>C on the plus strand (A>G on the coding strand, the complement: OCA2 is on the minus strand). VCF-style: chr15-27871165-T-C. GRCh37 (hg19) VCF-style: chr15-28116311-T-C.
Other names: c.2161A>G, p.Thr721Ala (NM_001300984.2); short protein forms T721A, T745A.
Identifiers: ClinVar variation 1447835 (VCV001447835.5), dbSNP rs150990900, ClinGen allele CA7438703.

ClinVar aggregate classification (germline): Uncertain significance (1 of 4 stars; one submission).

Allele frequency attached by ClinVar (database versions not stated): gnomAD exomes below 0.00001 and 0.00002; ExAC 0.00002; TOPMed 0.00004; gnomAD 0.00005; ESP Exome Variant Server 0.00008; 1000 Genomes Project 30x 0.00016; 1000 Genomes Project 0.00020.
gnomAD v4.1: 11 of 1,613,524 alleles (0.00068%); highest among the groups gnomAD compares: African/African-American, 0.015%; no homozygotes.

Submission:

Labcorp Genetics (formerly Invitae), Labcorp
Classification: Uncertain significance. Last evaluated: 2021-09-24. Review status: criteria provided, single submitter. Criteria: Invitae Variant Classification Sherloc (09022015). Collection method: clinical testing. Allele origin: germline.
Comment: This sequence change replaces threonine with alanine at codon 745 of the OCA2 protein (p.Thr745Ala). The threonine residue is highly conserved and there is a small physicochemical difference between threonine and alanine. This variant is present in population databases (rs150990900, ExAC 0.03%). This variant has not been reported in the literature in individuals affected with OCA2-related conditions. Advanced modeling of protein sequence and biophysical properties (such as structural, functional, and spatial information, amino acid conservation, physicochemical variation, residue mobility, and thermodynamic stability) performed at Invitae indicates that this missense variant is expected to disrupt OCA2 protein function. In summary, the available evidence is currently insufficient to determine the role of this variant in disease. Therefore, it has been classified as a Variant of Uncertain Significance.